The following is an entry in ClinVar:

ClinVar aggregate classification (germline): Pathogenic/Likely pathogenic. Review status: criteria provided, multiple submitters, no conflicts (2 of 4 stars). 2 submissions from 2 submitters: Pathogenic (1); Likely pathogenic (1). Last evaluated 2020-08-18.

Conditions:
Developmental and epileptic encephalopathy, 7 (DEE7). Also called: Early infantile epileptic encephalopathy 7; KCNQ2-Related Neonatal Epileptic Encephalopathy; KCNQ2-Related Neonatal-Onset Developmental and Epileptic Encephalopathy (NEO-DEE). Identifiers: Orphanet 439218, MedGen C3150986, MONDO:0013387, OMIM 613720.

Submissions (2):

Foundation for Research in Genetics and Endocrinology, FRIGE's Institute of Human Genetics
Classification: Pathogenic for Developmental and epileptic encephalopathy, 7. Last evaluated: 2020-08-18. Review status: criteria provided, single submitter. Criteria: ACMG Guidelines, 2015. Collection method: research. Allele origin: de novo. Inheritance: Autosomal dominant inheritance. Affected: yes. Observed: 1 heterozygote.
Comment: A heterozygous de novo missense variation in exon 6 of the KCNQ2 gene that results in the amino acid substitution of Cysteine for Glycine at codon 290 was detected. The observed variant c.868G>T (p.Gly290Cys) has not been reported in the 1000 genomes and ExAC databases. The in silico prediction of the variant are possibly damaging by PolyPhen-2 (HumDiv) and damaging by SIFT, LRT and MutationTaster2. The reference codon is conserved across species. In summary, the variant meets our criteria to be classified as pathogenic.

Neuberg Centre For Genomic Medicine, NCGM
Classification: Likely pathogenic for Developmental and epileptic encephalopathy, 7. Review status: criteria provided, single submitter. Criteria: ACMG Guidelines, 2015. Collection method: clinical testing. Allele origin: germline. Affected: yes.
Comment: The missense variant p.G290C in KCNQ2 (NM_172107.3) causes a change at the same amino acid residue as a previously established pathogenic variant (G290D). The p.G290C variant is novel (not in any individuals) in gnomAD Exomes and is novel (not in any individuals) in 1000 Genomes. There is a large physicochemical difference between glycine and cysteine, which is likely to impact secondary protein structure as these residues differ in polarity, charge, size and/or other properties. The gene KCNQ2 contains 114 pathogenic missense variants, indicating that missense variants are a common mechanism of disease in this gene. The p.G290C missense variant is predicted to be damaging by both SIFT and PolyPhen2. The glycine residue at codon 290 of KCNQ2 is conserved in all mammalian species. The nucleotide c.868 in KCNQ2 is predicted conserved by GERP++ and PhyloP across 100 vertebrates. For these reasons, this variant has been classified as Likely Pathogenic.

NM_172107.4(KCNQ2):c.868G>T (p.Gly290Cys)

Gene: KCNQ2 (potassium voltage-gated channel subfamily Q member 2; minus strand). Cytogenetic location: 20q13.33.
Variant type: single nucleotide variant.
Coding change: c.868G>T on transcript NM_172107.4 (MANE Select); coding-DNA position 868, G replaced by T.
Protein change: p.Gly290Cys; replaces glycine 290 with cysteine.
Molecular consequence: missense variant.
Genome position (GRCh38, 1-based): chr20:63,439,657, C>A on the plus strand (G>T on the coding strand, the complement: KCNQ2 is on the minus strand). VCF-style: chr20-63439657-C-A. GRCh37 (hg19) VCF-style: chr20-62071010-C-A.
Other names: p.Gly290Cys; c.868G>T, p.Gly290Cys (NM_001382235.1, NM_004518.6, NM_172106.3 and 2 more transcripts); c.868G>T (NM_172107.3); short protein forms G290C.
Identifiers: ClinVar variation 1803794 (VCV001803794.4), dbSNP rs1057516098, ClinGen allele CA409652614.